The following is an entry in ClinVar:

ClinVar aggregate classification (germline): Uncertain significance. Review status: criteria provided, multiple submitters, no conflicts (2 of 4 stars). 2 submissions from 2 submitters: Uncertain significance (2). Last evaluated 2025-11-28.

Conditions:
Inborn genetic diseases. Identifiers: MedGen C0950123, MeSH D030342.

Allele frequency attached by ClinVar (database versions not stated): gnomAD exomes below 0.00001; gnomAD 0.00001; TOPMed 0.00001.
gnomAD v4.1: 4 of 1,598,098 alleles (0.00025%); highest among the groups gnomAD compares: African/African-American, 0.0013%; no homozygotes.

Submissions (2):

Labcorp Genetics (formerly Invitae), Labcorp
Classification: Uncertain significance. Last evaluated: 2025-11-28. Review status: criteria provided, single submitter. Criteria: Invitae Variant Classification Sherloc (09022015). Collection method: clinical testing. Allele origin: germline.
Comment: This sequence change replaces threonine, which is neutral and polar, with methionine, which is neutral and non-polar, at codon 119 of the SAG protein (p.Thr119Met). This variant is not present in population databases (gnomAD no frequency). This variant has not been reported in the literature in individuals affected with SAG-related conditions. ClinVar contains an entry for this variant (Variation ID: 1935619). Invitae Evidence Modeling of protein sequence and biophysical properties (such as structural, functional, and spatial information, amino acid conservation, physicochemical variation, residue mobility, and thermodynamic stability) indicates that this missense variant is not expected to disrupt SAG protein function with a negative predictive value of 80%. In summary, the available evidence is currently insufficient to determine the role of this variant in disease. Therefore, it has been classified as a Variant of Uncertain Significance.

Ambry Genetics
Classification: Uncertain significance for Inborn genetic diseases. Last evaluated: 2025-06-24. Review status: criteria provided, single submitter. Criteria: Ambry Variant Classification Scheme 2023. Collection method: clinical testing. Allele origin: germline.

NM_000541.5(SAG):c.356C>T (p.Thr119Met)

Gene: SAG (S-antigen visual arrestin; plus strand). Cytogenetic location: 2q37.1.
Variant type: single nucleotide variant.
Coding change: c.356C>T on transcript NM_000541.5 (MANE Select); coding-DNA position 356, C replaced by T.
Protein change: p.Thr119Met; replaces threonine 119 with methionine.
Molecular consequence: missense variant.
Genome position (GRCh38, 1-based): chr2:233,320,804, C>T. VCF-style: chr2-233320804-C-T. GRCh37 (hg19) VCF-style: chr2-234229450-C-T.
Other names: c.356C>T (NM_000541.4); short protein forms T119M.
Identifiers: ClinVar variation 1935619 (VCV001935619.6), dbSNP rs775579122, ClinGen allele CA67542457.